The following is an entry in ClinVar:

NM_001098.3(ACO2):c.1292G>T (p.Gly431Val)

Gene: ACO2 (aconitase 2; plus strand). Cytogenetic location: 22q13.2.
Variant type: single nucleotide variant.
Coding change: c.1292G>T on transcript NM_001098.3 (MANE Select); coding-DNA position 1292, G replaced by T.
Protein change: p.Gly431Val; replaces glycine 431 with valine.
Molecular consequence: missense variant.
Genome position (GRCh38, 1-based): chr22:41,522,983, G>T. VCF-style: chr22-41522983-G-T. GRCh37 (hg19) VCF-style: chr22-41918987-G-T.
Other names: short protein forms G431V.
Identifiers: ClinVar variation 1369458 (VCV001369458.7), dbSNP rs780269429, ClinGen allele CA10257593.

ClinVar aggregate classification (germline): Uncertain significance. Review status: criteria provided, multiple submitters, no conflicts (2 of 4 stars). 2 submissions from 2 submitters: Uncertain significance (2). Last evaluated 2026-01-05.

Allele frequency attached by ClinVar (database versions not stated): gnomAD exomes below 0.00001; TOPMed below 0.00001; ExAC 0.00001; gnomAD 0.00001.
gnomAD v4.1: 5 of 1,614,018 alleles (0.00031%); highest among the groups gnomAD compares: Non-Finnish European, 0.00042%; no homozygotes.

Submissions (2):

Labcorp Genetics (formerly Invitae), Labcorp
Classification: Uncertain significance. Last evaluated: 2026-01-05. Review status: criteria provided, single submitter. Criteria: Invitae Variant Classification Sherloc (09022015). Collection method: clinical testing. Allele origin: germline.
Comment: This sequence change replaces glycine, which is neutral and non-polar, with valine, which is neutral and non-polar, at codon 431 of the ACO2 protein (p.Gly431Val). This variant is present in population databases (rs780269429, gnomAD 0.0009%). This variant has not been reported in the literature in individuals affected with ACO2-related conditions. ClinVar contains an entry for this variant (Variation ID: 1369458). Invitae Evidence Modeling of protein sequence and biophysical properties (such as structural, functional, and spatial information, amino acid conservation, physicochemical variation, residue mobility, and thermodynamic stability) indicates that this missense variant is expected to disrupt ACO2 protein function with a positive predictive value of 80%. In summary, the available evidence is currently insufficient to determine the role of this variant in disease. Therefore, it has been classified as a Variant of Uncertain Significance.

Blueprint Genetics
Classification: Uncertain significance. Last evaluated: 2024-10-01. Review status: criteria provided, single submitter. Criteria: ACMG Guidelines, 2015. Collection method: clinical testing. Allele origin: germline.